The following is an entry in ClinVar:

ClinVar aggregate classification (germline): Conflicting classifications of pathogenicity. Review status: criteria provided, conflicting classifications (1 of 4 stars). 4 submissions from 4 submitters: Uncertain significance (3); Likely benign (1). Last evaluated 2025-04-28.

Conditions:
Arrhythmogenic cardiomyopathy with wooly hair and keratoderma. Also called: PALMOPLANTAR KERATODERMA WITH LEFT VENTRICULAR CARDIOMYOPATHY AND WOOLLY HAIR; Carvajal syndrome; Dilated cardiomyopathy with woolly hair and keratoderma; Arrhythmogenic cardiomyopathy with woolly hair and keratoderma. Identifiers: Orphanet 65282, MedGen C1854063, MONDO:0011581, OMIM 605676.
Cardiomyopathy (CMYO). Also called: Cardiomyopathies. Identifiers: Orphanet 167848, MedGen C0878544, MONDO:0004994, HP:0001638. Inheritance: Various modes of inheritance.
Cardiovascular phenotype. Identifiers: MedGen CN230736.
Arrhythmogenic right ventricular dysplasia 8 (ARVD8). Also called: Arrhythmogenic Right Ventricular Dysplasia/Cardiomyopathy 8; ARRHYTHMOGENIC RIGHT VENTRICULAR DYSPLASIA, FAMILIAL, 8; ARRHYTHMOGENIC RIGHT VENTRICULAR CARDIOMYOPATHY 8. Identifiers: MedGen C1843896, MONDO:0011831, OMIM 607450.

Allele frequency attached by ClinVar (database versions not stated): ExAC 0.00001; gnomAD exomes 0.00002; gnomAD 0.00003 and 0.00004; TOPMed 0.00003.
gnomAD v4.1: 15 of 1,613,906 alleles (0.00093%); highest among the groups gnomAD compares: East Asian, 0.022%; no homozygotes.

Submissions (4):

Ambry Genetics
Classification: Uncertain significance for Cardiovascular phenotype. Last evaluated: 2025-04-28. Review status: criteria provided, single submitter. Criteria: Ambry Variant Classification Scheme 2023. Collection method: clinical testing. Allele origin: germline.

All of Us Research Program, National Institutes of Health
Classification: Uncertain significance for Arrhythmogenic cardiomyopathy with wooly hair and keratoderma. Last evaluated: 2024-08-06. Review status: criteria provided, single submitter. Criteria: ACMG Guidelines, 2015. Collection method: clinical testing. Allele origin: germline. Inheritance: Autosomal dominant inheritance. Observed: 3 variant alleles, 3 heterozygotes.
Comment: This missense variant replaces glutamic acid with lysine at codon 1607 of the DSP protein. Computational prediction suggests that this variant may not impact protein structure and function (internally defined REVEL score threshold <= 0.5, PMID: 27666373). Splice site prediction tools suggest that this variant may not impact RNA splicing. To our knowledge, functional studies have not been performed for this variant. This variant has not been reported in individuals affected with cardiovascular disorders in the literature. This variant has been identified in 6/280574 chromosomes in the general population by the Genome Aggregation Database (gnomAD). The available evidence is insufficient to determine the role of this variant in disease conclusively. Therefore, this variant is classified as a Variant of Uncertain Significance.

This study involves interpretation of variants in research participants for the purpose of population health screening. Participant phenotype was not available at the time of variant classification. Additional details can be found in publication PMID: 35346344, PMCID: PMC8962531

Color Diagnostics, LLC DBA Color Health
Classification: Uncertain significance for Cardiomyopathy. Last evaluated: 2024-03-06. Review status: criteria provided, single submitter. Criteria: ACMG Guidelines, 2015. Collection method: clinical testing. Allele origin: germline.
Comment: This missense variant replaces glutamic acid with lysine at codon 1607 of the DSP protein. Computational prediction suggests that this variant may not impact protein structure and function (internally defined REVEL score threshold <= 0.5, PMID: 27666373). Splice site prediction tools suggest that this variant may not impact RNA splicing. To our knowledge, functional studies have not been performed for this variant. This variant has not been reported in individuals affected with cardiovascular disorders in the literature. This variant has been identified in 6/280574 chromosomes in the general population by the Genome Aggregation Database (gnomAD). The available evidence is insufficient to determine the role of this variant in disease conclusively. Therefore, this variant is classified as a Variant of Uncertain Significance.

Labcorp Genetics (formerly Invitae), Labcorp
Classification: Likely benign for Arrhythmogenic cardiomyopathy with wooly hair and keratoderma; Arrhythmogenic right ventricular dysplasia 8. Last evaluated: 2023-09-25. Review status: criteria provided, single submitter. Criteria: Invitae Variant Classification Sherloc (09022015). Collection method: clinical testing. Allele origin: germline.

NM_004415.4(DSP):c.4819G>A (p.Glu1607Lys)

Gene: DSP (desmoplakin; plus strand). Cytogenetic location: 6p24.3.
Variant type: single nucleotide variant.
Coding change: c.4819G>A on transcript NM_004415.4 (MANE Select); coding-DNA position 4819, G replaced by A.
Protein change: p.Glu1607Lys; replaces glutamic acid 1607 with lysine.
Molecular consequence: missense variant. On other transcripts: intron variant (2).
Genome position (GRCh38, 1-based): chr6:7,581,009, G>A. VCF-style: chr6-7581009-G-A. GRCh37 (hg19) VCF-style: chr6-7581242-G-A.
Other names: c.4050+769G>A (NM_001319034.2); c.3582+1237G>A (NM_001008844.3); short protein forms E1607K.
Identifiers: ClinVar variation 919278 (VCV000919278.11), dbSNP rs750054075, ClinGen allele CA043024.